The following is an entry in ClinVar:

NM_000321.3(RB1):c.1961-293_1987del

Gene: RB1 (RB transcriptional corepressor 1; plus strand). Cytogenetic location: 13q14.2.
Variant type: Deletion.
Coding change: c.1961-293_1987del on transcript NM_000321.3 (MANE Select); 293 bases into the intron before coding-DNA position 1961 through coding-DNA position 1987, 320 bases deleted.
Molecular consequence: splice acceptor variant.
Genome position (GRCh38, 1-based): chr13:48,459,395-48,459,714, 320 bases deleted. GRCh37 (hg19): chr13:49,033,531-49,033,850.
Identifiers: ClinVar variation 2017853 (VCV002017853.4), dbSNP rs2542367312, ClinGen allele CA2580087596.

ClinVar aggregate classification (germline): Pathogenic (1 of 4 stars; one submission).

Conditions:
Retinoblastoma (RB1). Also called: RETINOBLASTOMA, SOMATIC. Identifiers: Orphanet 790, MedGen C0035335, MeSH D012175, MONDO:0008380, OMIM 180200, HP:0009919. Disease mechanism: loss of function. Inheritance: Both sporadic and heritable forms are tested..

Submission:

Labcorp Genetics (formerly Invitae), Labcorp
Classification: Pathogenic for Retinoblastoma. Last evaluated: 2021-11-30. Review status: criteria provided, single submitter. Criteria: Invitae Variant Classification Sherloc (09022015). Collection method: clinical testing. Allele origin: germline.
Comment: This variant results in the deletion of part of exon 20 (c.1961-293_1987del) of the RB1 gene. It is expected to disrupt RNA splicing. Variants that disrupt the donor or acceptor splice site typically lead to a loss of protein function (PMID: 16199547), and loss-of-function variants in RB1 are known to be pathogenic (PMID: 17096365). For these reasons, this variant has been classified as Pathogenic. This variant has been observed in individual(s) with bilateral retinoblastoma (Invitae). This variant is not present in population databases (gnomAD no frequency).

Literature cited by the submitters: PubMed 16199547; PubMed 17096365.